The following is an entry in ClinVar:

ClinVar aggregate classification (germline): Uncertain significance (1 of 4 stars; one submission).

Conditions:
Hereditary cancer-predisposing syndrome. Also called: Tumor predisposition; Neoplastic Syndromes, Hereditary; Hereditary Cancer Syndrome; Hereditary neoplastic syndrome. Identifiers: Orphanet 140162, MedGen C0027672, MeSH D009386, MONDO:0015356.

Submission:

Ambry Genetics
Classification: Uncertain significance for Hereditary cancer-predisposing syndrome. Last evaluated: 2020-11-17. Review status: criteria provided, single submitter. Criteria: Ambry Variant Classification Scheme 2023. Collection method: clinical testing. Allele origin: germline.
Comment: The p.S105W variant (also known as c.314C>G), located in coding exon 4 of the CDC73 gene, results from a C to G substitution at nucleotide position 314. The serine at codon 105 is replaced by tryptophan, an amino acid with highly dissimilar properties. This amino acid position is highly conserved in available vertebrate species. In addition, the in silico prediction for this alteration is inconclusive. Since supporting evidence is limited at this time, the clinical significance of this alteration remains unclear.

NM_024529.5(CDC73):c.314C>G (p.Ser105Trp)

Gene: CDC73 (cell division cycle 73; plus strand). Cytogenetic location: 1q31.2.
Variant type: single nucleotide variant.
Coding change: c.314C>G on transcript NM_024529.5 (MANE Select); coding-DNA position 314, C replaced by G.
Protein change: p.Ser105Trp; replaces serine 105 with tryptophan.
Molecular consequence: missense variant.
Genome position (GRCh38, 1-based): chr1:193,135,397, C>G. VCF-style: chr1-193135397-C-G. GRCh37 (hg19) VCF-style: chr1-193104527-C-G.
Other names: short protein forms S105W.
Identifiers: ClinVar variation 1728164 (VCV001728164.2), dbSNP rs1675773790, ClinGen allele CA343960297.